The following is an entry in ClinVar:

ClinVar aggregate classification (germline): Uncertain significance (1 of 4 stars; one submission).

gnomAD v4.1: 25 of 1,614,050 alleles (0.0015%); highest among the groups gnomAD compares: South Asian, 0.0022%; no homozygotes.

Submission:

Labcorp Genetics (formerly Invitae), Labcorp
Classification: Uncertain significance. Last evaluated: 2024-02-17. Review status: criteria provided, single submitter. Criteria: Invitae Variant Classification Sherloc (09022015). Collection method: clinical testing. Allele origin: germline.
Comment: This sequence change replaces arginine, which is basic and polar, with serine, which is neutral and polar, at codon 726 of the CDHR1 protein (p.Arg726Ser). This variant is present in population databases (rs141706561, gnomAD 0.004%). This variant has not been reported in the literature in individuals affected with CDHR1-related conditions. ClinVar contains an entry for this variant (Variation ID: 1422440). Advanced modeling of protein sequence and biophysical properties (such as structural, functional, and spatial information, amino acid conservation, physicochemical variation, residue mobility, and thermodynamic stability) performed at Invitae indicates that this missense variant is not expected to disrupt CDHR1 protein function with a negative predictive value of 80%. In summary, the available evidence is currently insufficient to determine the role of this variant in disease. Therefore, it has been classified as a Variant of Uncertain Significance.

NM_033100.4(CDHR1):c.2176C>A (p.Arg726Ser)

Gene: CDHR1 (cadherin related family member 1; plus strand). Cytogenetic location: 10q23.1.
Variant type: single nucleotide variant.
Coding change: c.2176C>A on transcript NM_033100.4 (MANE Select); coding-DNA position 2176, C replaced by A.
Protein change: p.Arg726Ser; replaces arginine 726 with serine.
Molecular consequence: missense variant. On other transcripts: intron variant (1).
Genome position (GRCh38, 1-based): chr10:84,214,217, C>A. VCF-style: chr10-84214217-C-A. GRCh37 (hg19) VCF-style: chr10-85973973-C-A.
Other names: c.2040+869C>A (NM_001171971.3); short protein forms R726S.
Identifiers: ClinVar variation 1422440 (VCV001422440.6), dbSNP rs141706561, ClinGen allele CA5580162.